The following is an entry in ClinVar:

NM_022725.4(FANCF):c.940C>T (p.Leu314Phe)

Genes: FANCF (FA complementation group F; minus strand), LOC130005443 (ATAC-STARR-seq lymphoblastoid active region 4533; plus strand). Cytogenetic location: 11p14.3.
Variant type: single nucleotide variant.
Coding change: c.940C>T on transcript NM_022725.4 (MANE Select); coding-DNA position 940, C replaced by T.
Protein change: p.Leu314Phe; replaces leucine 314 with phenylalanine.
Molecular consequence: missense variant.
Genome position (GRCh38, 1-based): chr11:22,624,871, G>A on the plus strand (C>T on the coding strand, the complement: FANCF is on the minus strand). VCF-style: chr11-22624871-G-A. GRCh37 (hg19) VCF-style: chr11-22646417-G-A.
Other names: short protein forms L314F.
Identifiers: ClinVar variation 1349302 (VCV001349302.8), dbSNP rs1858617232, ClinGen allele CA380058005.
Genomic context (GRCh38, chr11:22,624,871, plus strand): 5'-CTTTACAGGTCTCCAGGGCAGTTAGAACTTTATCTTTCAGAGGTGGAGGGGCCTGACAGA[G>A]GCTTTGAAACCTATTGTGCAACTCCTCCCAGGGCACATCTTGGGACTCAGTTCCAACCCA-3'
Protein context (NP_073562.1, residues 304-324): WEELHNRFQS[Leu314Phe]CQAPPPLKDK

ClinVar aggregate classification (germline): Uncertain significance (1 of 4 stars; one submission).

Conditions:
Fanconi anemia (FA). Also called: Fanconi's anemia. Identifiers: Orphanet 84, MedGen C0015625, MeSH D005199, MONDO:0019391.

Submission:

Labcorp Genetics (formerly Invitae), Labcorp
Classification: Uncertain significance for Fanconi anemia. Last evaluated: 2021-04-27. Review status: criteria provided, single submitter. Criteria: Invitae Variant Classification Sherloc (09022015). Collection method: clinical testing. Allele origin: germline.
Comment: In summary, the available evidence is currently insufficient to determine the role of this variant in disease. Therefore, it has been classified as a Variant of Uncertain Significance. Algorithms developed to predict the effect of missense changes on protein structure and function output the following: SIFT: "Deleterious"; PolyPhen-2: "Probably Damaging"; Align-GVGD: "Class C15". The phenylalanine amino acid residue is found in multiple mammalian species, suggesting that this missense change does not adversely affect protein function. These predictions have not been confirmed by published functional studies and their clinical significance is uncertain. This variant has not been reported in the literature in individuals with FANCF-related conditions. This variant is not present in population databases (ExAC no frequency). This sequence change replaces leucine with phenylalanine at codon 314 of the FANCF protein (p.Leu314Phe). The leucine residue is highly conserved and there is a small physicochemical difference between leucine and phenylalanine.